The following is an entry in ClinVar:

ClinVar aggregate classification (germline): Uncertain significance (1 of 4 stars; one submission).

Submission:

GeneDx
Classification: Uncertain significance. Last evaluated: 2025-03-23. Review status: criteria provided, single submitter. Criteria: GeneDx Variant Classification Process June 2021. Collection method: clinical testing. Allele origin: germline. Affected: yes.
Comment: Not observed at significant frequency in large population cohorts (gnomAD); In silico analysis supports that this missense variant has a deleterious effect on protein structure/function; Has not been previously published as pathogenic or benign to our knowledge

NM_001353345.2(SETD1B):c.3600C>G (p.Ser1200Arg)

Gene: SETD1B (SET domain containing 1B, histone lysine methyltransferase; plus strand). Cytogenetic location: 12q24.31.
Variant type: single nucleotide variant.
Coding change: c.3600C>G on transcript NM_001353345.2 (MANE Select); coding-DNA position 3600, C replaced by G.
Protein change: p.Ser1200Arg; replaces serine 1200 with arginine.
Molecular consequence: missense variant.
Genome position (GRCh38, 1-based): chr12:121,819,585, C>G. VCF-style: chr12-121819585-C-G. GRCh37 (hg19) VCF-style: chr12-122257491-C-G.
Other names: short protein forms S1200R.
Identifiers: ClinVar variation 4088225 (VCV004088225.1).